The following is an entry in ClinVar:

NM_001386393.1(PANK2):c.-21G>A

Genes: PANK2 (pantothenate kinase 2; plus strand), LOC130065345 (ATAC-STARR-seq lymphoblastoid silent region 12635; plus strand). Cytogenetic location: 20p13.
Variant type: single nucleotide variant.
Coding change: c.-21G>A on transcript NM_001386393.1 (MANE Select); 21 bases upstream of the start codon, G replaced by A.
Molecular consequence: 5 prime UTR variant. On other transcripts: missense variant (2), non-coding transcript variant (1), intron variant (1).
Genome position (GRCh38, 1-based): chr20:3,889,410, G>A. VCF-style: chr20-3889410-G-A. GRCh37 (hg19) VCF-style: chr20-3870057-G-A.
Other names: p.Glu104Lys; c.310G>A (NM_153638.3); c.-732G>A (NM_001324191.2); c.310G>A, p.Glu104Lys (NM_001324192.1, NM_153638.4); c.-246+506G>A (NM_024960.6); short protein forms E104K.
Identifiers: ClinVar variation 1400398 (VCV001400398.6), dbSNP rs780551883, ClinGen allele CA9750540.
Genomic context (GRCh38, chr20:3,889,410, plus strand): 5'-CGCAACGGAAGAGGCGGCCGGCCGAGGGCGCGCCTCTGCTCTGGCTGGACTGCCGCGGAG[G>A]AGGCGAGAAGGAATCCGACGCTGGGGGGCTTGCTCGGGCGGCAGCGACTGCTGCTGCGGA-3'

ClinVar aggregate classification (germline): Uncertain significance. Review status: criteria provided, multiple submitters, no conflicts (2 of 4 stars). 2 submissions from 2 submitters: Uncertain significance (2). Last evaluated 2023-05-17.

Conditions:
Pigmentary pallidal degeneration (NBIA1). Also called: Neuroaxonal dystrophy, late infantile; Hallervorden-Spatz disease; PKAN NEUROAXONAL DYSTROPHY, JUVENILE-ONSET; HARP SYNDROME; Pantothenate Kinase-Associated Neurodegeneration; Neurodegeneration with brain iron accumulation 1. Identifiers: Orphanet 157850, MedGen C0018523, MONDO:0009319, OMIM 234200.

Allele frequency attached by ClinVar (database versions not stated): gnomAD exomes 0.00002; gnomAD 0.00003 and 0.00004; ExAC 0.00004.
gnomAD v4.1: 23 of 1,571,372 alleles (0.0015%); highest among the groups gnomAD compares: Non-Finnish European, 0.0018%; no homozygotes.

Submissions (2):

Mayo Clinic Laboratories, Mayo Clinic
Classification: Uncertain significance. Last evaluated: 2023-05-17. Review status: criteria provided, single submitter. Criteria: ACMG Guidelines, 2015. Collection method: clinical testing. Allele origin: germline. Observed: 1 variant allele.
Comment: BP4, PM2

Labcorp Genetics (formerly Invitae), Labcorp
Classification: Uncertain significance for Pigmentary pallidal degeneration. Last evaluated: 2022-07-05. Review status: criteria provided, single submitter. Criteria: Invitae Variant Classification Sherloc (09022015). Collection method: clinical testing. Allele origin: germline.
Comment: This sequence change replaces glutamic acid, which is acidic and polar, with lysine, which is basic and polar, at codon 104 of the PANK2 protein (p.Glu104Lys). This variant is present in population databases (rs780551883, gnomAD 0.006%). This variant has not been reported in the literature in individuals affected with PANK2-related conditions. ClinVar contains an entry for this variant (Variation ID: 1400398). Algorithms developed to predict the effect of missense changes on protein structure and function output the following: SIFT: "Deleterious"; PolyPhen-2: "Benign"; Align-GVGD: "Class C0". The lysine amino acid residue is found in multiple mammalian species, which suggests that this missense change does not adversely affect protein function. In summary, the available evidence is currently insufficient to determine the role of this variant in disease. Therefore, it has been classified as a Variant of Uncertain Significance.